The following is an entry in ClinVar:

NM_014994.3(MAPKBP1):c.3974C>T (p.Pro1325Leu)

Gene: MAPKBP1 (mitogen-activated protein kinase binding protein 1; plus strand). Cytogenetic location: 15q15.1.
Variant type: single nucleotide variant.
Coding change: c.3974C>T on transcript NM_014994.3 (MANE Select); coding-DNA position 3974, C replaced by T.
Protein change: p.Pro1325Leu; replaces proline 1325 with leucine.
Molecular consequence: missense variant. On other transcripts: non-coding transcript variant (2), intron variant (1).
Genome position (GRCh38, 1-based): chr15:41,823,822, C>T. VCF-style: chr15-41823822-C-T. GRCh37 (hg19) VCF-style: chr15-42116020-C-T.
Other names: c.3992C>T (NM_001128608.1); c.3992C>T, p.Pro1331Leu (NM_001128608.2); c.3383-662C>T (NM_001265611.2); short protein forms P1325L, P1331L.
Identifiers: ClinVar variation 1507664 (VCV001507664.9), dbSNP rs185127772, ClinGen allele CA7498705.
Genomic context (GRCh38, chr15:41,823,822, plus strand): 5'-CTGCATTCTCTCCTGTCACCAAAGGCCGGGCCCCTGGCGAGGCAGAAAAGCCTGGCTTCC[C>T]GGTGGGCCTAGGAAAAGCTCACAGTACAACTGAGAGATGGGCCTGTTTGGGGGAGGGCAC-3'
Protein context (NP_055809.2, residues 1315-1335): APGEAEKPGF[Pro1325Leu]VGLGKAHSTT

ClinVar aggregate classification (germline): Uncertain significance. Review status: criteria provided, multiple submitters, no conflicts (2 of 4 stars). 2 submissions from 2 submitters: Uncertain significance (2). Last evaluated 2022-10-04.

Conditions:
Inborn genetic diseases. Identifiers: MedGen C0950123, MeSH D030342.

Allele frequency attached by ClinVar (database versions not stated): gnomAD exomes 0.00001 and 0.00003; ExAC 0.00002; gnomAD 0.00004 and 0.00005; TOPMed 0.00005; 1000 Genomes Project 30x 0.00016; 1000 Genomes Project 0.00020.
gnomAD v4.1: 49 of 1,614,182 alleles (0.003%); highest among the groups gnomAD compares: African/African-American, 0.013%; no homozygotes.

Submissions (2):

Ambry Genetics
Classification: Uncertain significance for Inborn genetic diseases. Last evaluated: 2022-10-04. Review status: criteria provided, single submitter. Criteria: Ambry Variant Classification Scheme 2023. Collection method: clinical testing. Allele origin: germline.

Labcorp Genetics (formerly Invitae), Labcorp
Classification: Uncertain significance. Last evaluated: 2021-06-08. Review status: criteria provided, single submitter. Criteria: Invitae Variant Classification Sherloc (09022015). Collection method: clinical testing. Allele origin: germline.
Comment: In summary, the available evidence is currently insufficient to determine the role of this variant in disease. Therefore, it has been classified as a Variant of Uncertain Significance. Algorithms developed to predict the effect of missense changes on protein structure and function output the following: SIFT: "Tolerated"; PolyPhen-2: "Benign"; Align-GVGD: "Class C0". The leucine amino acid residue is found in multiple mammalian species, suggesting that this missense change does not adversely affect protein function. These predictions have not been confirmed by published functional studies and their clinical significance is uncertain. This variant has not been reported in the literature in individuals with MAPKBP1-related conditions. This variant is present in population databases (rs185127772, ExAC 0.01%). This sequence change replaces proline with leucine at codon 1331 of the MAPKBP1 protein (p.Pro1331Leu). The proline residue is weakly conserved and there is a moderate physicochemical difference between proline and leucine.